The following is an entry in ClinVar:

NM_006580.4(CLDN16):c.626C>A (p.Ala209Asp)

Gene: CLDN16 (claudin 16; plus strand). Cytogenetic location: 3q28.
Variant type: single nucleotide variant.
Coding change: c.626C>A on transcript NM_006580.4 (MANE Select); coding-DNA position 626, C replaced by A.
Protein change: p.Ala209Asp; replaces alanine 209 with aspartic acid.
Molecular consequence: missense variant.
Genome position (GRCh38, 1-based): chr3:190,409,954, C>A. VCF-style: chr3-190409954-C-A. GRCh37 (hg19) VCF-style: chr3-190127743-C-A.
Other names: p.Ala279Asp; c.626C>A, p.Ala209Asp (NM_001378492.1, NM_001378493.1); short protein forms A279D, A209D.
Identifiers: ClinVar variation 714260 (VCV000714260.40), dbSNP rs139846352, ClinGen allele CA2753921.

ClinVar aggregate classification (germline): Benign/Likely benign. Review status: criteria provided, multiple submitters, no conflicts (2 of 4 stars). 5 submissions from 5 submitters: Benign (3); Likely benign (2). Last evaluated 2026-02-01.

Conditions:
CLDN16-related disorder. Also called: CLDN16-related condition.
Primary hypomagnesemia (HOMG3). Also called: HYPOMAGNESEMIA 3, RENAL; HYPOMAGNESEMIA, FAMILIAL, WITH HYPERCALCIURIA AND NEPHROCALCINOSIS; HYPOMAGNESEMIA, ISOLATED RENAL; HYPOMAGNESEMIA, PRIMARY, DUE TO DEFECT IN RENAL TUBULAR TRANSPORT OF MAGNESIUM. Identifiers: Orphanet 31043, MedGen C0268448, MONDO:0009550, OMIM 248250.

Allele frequency attached by ClinVar (database versions not stated): 1000 Genomes Project 30x 0.00078; 1000 Genomes Project 0.00100; ESP Exome Variant Server 0.00146; TOPMed 0.00150; ExAC 0.00247; gnomAD exomes 0.00247 and 0.00310; gnomAD 0.00298 and 0.00314.
gnomAD v4.1: 4,026 of 1,613,942 alleles (0.25%); highest among the groups gnomAD compares: Non-Finnish European, 0.22%; 17 homozygotes.

Submissions (5):

Labcorp Genetics (formerly Invitae), Labcorp
Classification: Benign. Last evaluated: 2026-02-01. Review status: criteria provided, single submitter. Criteria: Invitae Variant Classification Sherloc (09022015). Collection method: clinical testing. Allele origin: germline.

CeGaT Center for Human Genetics Tuebingen
Classification: Benign. Last evaluated: 2025-11-01. Review status: criteria provided, single submitter. Criteria: CeGaT Center For Human Genetics Tuebingen Variant Classification Criteria Version 2. Collection method: clinical testing. Allele origin: germline. Affected: yes. Observed: 2 variant alleles.
Comment: CLDN16: BP4, BS1, BS2

PreventionGenetics, part of Exact Sciences
Classification: Likely benign for CLDN16-related condition. Last evaluated: 2025-05-07. Review status: criteria provided, single submitter. Criteria: ACMG Guidelines, 2015. Collection method: clinical testing. Allele origin: germline.
Comment: This variant is classified as likely benign based on ACMG/AMP sequence variant interpretation guidelines (Richards et al. 2015 PMID: 25741868, with internal and published modifications).

Mayo Clinic Laboratories, Mayo Clinic
Classification: Benign. Last evaluated: 2025-03-27. Review status: criteria provided, single submitter. Criteria: ACMG Guidelines, 2015. Collection method: clinical testing. Allele origin: germline. Observed: 2 variant alleles.
Comment: BS1, BS2, BP4

Illumina Laboratory Services, Illumina
Classification: Likely benign for Primary hypomagnesemia. Last evaluated: 2018-01-13. Review status: criteria provided, single submitter. Criteria: ICSL Variant Classification Criteria 13 December 2019. Collection method: clinical testing. Allele origin: germline.
Comment: This variant was observed in the ICSL laboratory as part of a predisposition screen in an ostensibly healthy population. It had not been previously curated by ICSL or reported in the Human Gene Mutation Database (HGMD: prior to June 1st, 2018), and was therefore a candidate for classification through an automated scoring system. Utilizing variant allele frequency, disease prevalence and penetrance estimates, and inheritance mode, an automated score was calculated to assess if this variant is too frequent to cause the disease. Based on the score and internal cut-off values, a variant classified as likely benign is not then subjected to further curation. The score for this variant resulted in a classification of likely benign for this disease.